The following is an entry in ClinVar:

NC_000009.11:g.(97864133_97869347)_(97869552_97873744)del

Gene: FANCC (FA complementation group C; minus strand). Cytogenetic location: 9q22.32.
Variant type: Deletion.
Identifiers: ClinVar variation 1339717 (VCV001339717.1).

ClinVar aggregate classification (germline): Likely pathogenic (1 of 4 stars; one submission).

Conditions:
Fanconi anemia complementation group C (FANCC). Also called: FANCONI PANCYTOPENIA, TYPE 3; FACC; Fanconi anemia, group C; FANCC-Related Fanconi Anemia. Identifiers: Orphanet 84, MedGen C3468041, MONDO:0009213, OMIM 227645.

Submission:

Women's Health and Genetics/Laboratory Corporation of America, LabCorp
Classification: Likely pathogenic for Fanconi anemia complementation group C. Last evaluated: 2022-01-03. Review status: criteria provided, single submitter. Criteria: LabCorp Variant Classification Summary - May 2015. Collection method: clinical testing. Allele origin: germline.
Comment: Variant summary: The variant identified by MLPA or other technology involves the deletion of exon 14 in the FANCC gene. A presumed nomenclature of c.(1329+1_1330-1)_(1533+1_1534-1)del has been designated for the purposes of this classification. Although exact breakpoints of this deletion are not known, it is expected to result in a large in-frame deletion change in the FANCC gene, a known mechanism of disease. The variant was absent in 21692 control chromosomes. To our knowledge, no occurrence of c.(1329+1_1330-1)_(1533+1_1534-1)del in individuals affected with Fanconi Anemia Group C and no experimental evidence demonstrating its impact on protein function have been reported. No clinical diagnostic laboratories have submitted clinical-significance assessments for this variant to ClinVar after 2014. Based on the evidence outlined above, the variant was classified as likely pathogenic.